The following is an entry in ClinVar:

NM_000701.8(ATP1A1):c.1756G>A (p.Val586Ile)

Genes: ATP1A1 (ATPase Na+/K+ transporting subunit alpha 1; plus strand), ATP1A1-AS1 (ATP1A1 antisense RNA 1; minus strand). Cytogenetic location: 1p13.1.
Variant type: single nucleotide variant.
Coding change: c.1756G>A on transcript NM_000701.8 (MANE Select); coding-DNA position 1756, G replaced by A.
Protein change: p.Val586Ile; replaces valine 586 with isoleucine.
Molecular consequence: missense variant.
Genome position (GRCh38, 1-based): chr1:116,395,205, G>A. VCF-style: chr1-116395205-G-A. GRCh37 (hg19) VCF-style: chr1-116937827-G-A.
Other names: c.1756G>A, p.Val586Ile (NM_001160233.2); c.1663G>A, p.Val555Ile (NM_001160234.2); short protein forms V586I, V555I.
Identifiers: ClinVar variation 2093313 (VCV002093313.4), dbSNP rs780464509, ClinGen allele CA1025387.
Genomic context (GRCh38, chr1:116,395,205, plus strand): 5'-CCTGAAGGGTTCCAGTTTGACACTGACGATGTGAATTTCCCTATCGATAATCTGTGCTTT[G>A]TTGGGCTCATCTCCATGATTGACCCTCCACGGGCGGCCGTTCCTGATGCCGTGGGCAAAT-3'
Protein context (NP_000692.2, residues 576-596): VNFPIDNLCF[Val586Ile]GLISMIDPPR

ClinVar aggregate classification (germline): Uncertain significance (1 of 4 stars; one submission).

gnomAD v4.1: 3 of 1,614,178 alleles (0.00019%); no homozygotes.

Submission:

Labcorp Genetics (formerly Invitae), Labcorp
Classification: Uncertain significance. Last evaluated: 2022-02-04. Review status: criteria provided, single submitter. Criteria: Invitae Variant Classification Sherloc (09022015). Collection method: clinical testing. Allele origin: germline.
Comment: In summary, the available evidence is currently insufficient to determine the role of this variant in disease. Therefore, it has been classified as a Variant of Uncertain Significance. Advanced modeling of protein sequence and biophysical properties (such as structural, functional, and spatial information, amino acid conservation, physicochemical variation, residue mobility, and thermodynamic stability) performed at Invitae indicates that this missense variant is not expected to disrupt ATP1A1 protein function. This variant has not been reported in the literature in individuals affected with ATP1A1-related conditions. This variant is present in population databases (rs780464509, gnomAD 0.009%). This sequence change replaces valine, which is neutral and non-polar, with isoleucine, which is neutral and non-polar, at codon 586 of the ATP1A1 protein (p.Val586Ile).